The following is an entry in ClinVar:

ClinVar aggregate classification (germline): Uncertain significance (1 of 4 stars; one submission).

gnomAD v4.1: 2 of 1,593,340 alleles (0.00013%); highest among the groups gnomAD compares: Admixed American, 0.0018%; no homozygotes.

Submission:

Labcorp Genetics (formerly Invitae), Labcorp
Classification: Uncertain significance. Last evaluated: 2025-07-20. Review status: criteria provided, single submitter. Criteria: Invitae Variant Classification Sherloc (09022015). Collection method: clinical testing. Allele origin: germline.
Comment: This sequence change replaces glutamic acid, which is acidic and polar, with aspartic acid, which is acidic and polar, at codon 395 of the TERF2IP protein (p.Glu395Asp). This variant is not present in population databases (gnomAD no frequency). This variant has not been reported in the literature in individuals affected with TERF2IP-related conditions. An algorithm developed to predict the effect of missense changes on protein structure and function (PolyPhen-2) suggests that this variant is likely to be disruptive. In summary, the available evidence is currently insufficient to determine the role of this variant in disease. Therefore, it has been classified as a Variant of Uncertain Significance.

NM_018975.4(TERF2IP):c.1185A>T (p.Glu395Asp)

Gene: TERF2IP (TERF2 interacting protein; plus strand). Cytogenetic location: 16q23.1.
Variant type: single nucleotide variant.
Coding change: c.1185A>T on transcript NM_018975.4 (MANE Select); coding-DNA position 1185, A replaced by T.
Protein change: p.Glu395Asp; replaces glutamic acid 395 with aspartic acid.
Molecular consequence: missense variant. On other transcripts: non-coding transcript variant (1).
Genome position (GRCh38, 1-based): chr16:75,656,596, A>T. VCF-style: chr16-75656596-A-T. GRCh37 (hg19) VCF-style: chr16-75690494-A-T.
Other names: short protein forms E395D.
Identifiers: ClinVar variation 4706452 (VCV004706452.1).